The following is an entry in ClinVar:

ClinVar aggregate classification (germline): Uncertain significance (1 of 4 stars; one submission).

Conditions:
Diamond-Blackfan anemia 8 (DBA8). Also called: RPS7-Related Diamond-Blackfan Anemia. Identifiers: Orphanet 124, MedGen C2675511, MONDO:0012939, OMIM 612563.

Submission:

Labcorp Genetics (formerly Invitae), Labcorp
Classification: Uncertain significance for Diamond-Blackfan anemia 8. Last evaluated: 2022-08-22. Review status: criteria provided, single submitter. Criteria: Invitae Variant Classification Sherloc (09022015). Collection method: clinical testing. Allele origin: germline.
Comment: This sequence change replaces leucine, which is neutral and non-polar, with phenylalanine, which is neutral and non-polar, at codon 40 of the RPS7 protein (p.Leu40Phe). This variant is not present in population databases (gnomAD no frequency). In summary, the available evidence is currently insufficient to determine the role of this variant in disease. Therefore, it has been classified as a Variant of Uncertain Significance. Algorithms developed to predict the effect of missense changes on protein structure and function are either unavailable or do not agree on the potential impact of this missense change (SIFT: "Deleterious"; PolyPhen-2: "Possibly Damaging"; Align-GVGD: "Class C15"). This variant has not been reported in the literature in individuals affected with RPS7-related conditions.

NM_001011.4(RPS7):c.118C>T (p.Leu40Phe)

Gene: RPS7 (ribosomal protein S7; plus strand). Cytogenetic location: 2p25.3.
Variant type: single nucleotide variant.
Coding change: c.118C>T on transcript NM_001011.4 (MANE Select); coding-DNA position 118, C replaced by T.
Protein change: p.Leu40Phe; replaces leucine 40 with phenylalanine.
Molecular consequence: missense variant.
Genome position (GRCh38, 1-based): chr2:3,575,859, C>T. VCF-style: chr2-3575859-C-T. GRCh37 (hg19) VCF-style: chr2-3623449-C-T.
Other names: short protein forms L40F.
Identifiers: ClinVar variation 1945012 (VCV001945012.5), dbSNP rs2528177481, ClinGen allele CA345742767.